The following is an entry in ClinVar:

NM_002080.4(GOT2):c.89+5G>A

Gene: GOT2 (glutamic-oxaloacetic transaminase 2; minus strand). Cytogenetic location: 16q21.
Variant type: single nucleotide variant.
Coding change: c.89+5G>A on transcript NM_002080.4 (MANE Select); 5 bases into the intron after coding-DNA position 89, G replaced by A.
Molecular consequence: intron variant.
Genome position (GRCh38, 1-based): chr16:58,734,135, C>T on the plus strand (G>A on the coding strand, the complement: GOT2 is on the minus strand). VCF-style: chr16-58734135-C-T. GRCh37 (hg19) VCF-style: chr16-58768039-C-T.
Other names: c.89+5G>A (NM_001286220.2).
Identifiers: ClinVar variation 1640322 (VCV001640322.21), dbSNP rs568318176, ClinGen allele CA8091152.

ClinVar aggregate classification (germline): Likely benign. Review status: criteria provided, multiple submitters, no conflicts (2 of 4 stars). 2 submissions from 2 submitters: Likely benign (2). Last evaluated 2025-03-13.

Allele frequency attached by ClinVar (database versions not stated): TOPMed 0.00001; gnomAD exomes 0.00012 and 0.00022; gnomAD 0.00014; 1000 Genomes Project 30x 0.00031; ExAC 0.00035; 1000 Genomes Project 0.00040.
gnomAD v4.1: 164 of 1,321,344 alleles (0.012%); highest among the groups gnomAD compares: South Asian, 0.39%; 4 homozygotes.

Submissions (2):

Labcorp Genetics (formerly Invitae), Labcorp
Classification: Likely benign. Last evaluated: 2025-03-13. Review status: criteria provided, single submitter. Criteria: Invitae Variant Classification Sherloc (09022015). Collection method: clinical testing. Allele origin: germline.

CeGaT Center for Human Genetics Tuebingen
Classification: Likely benign. Last evaluated: 2025-01-01. Review status: criteria provided, single submitter. Criteria: CeGaT Center For Human Genetics Tuebingen Variant Classification Criteria Version 2. Collection method: clinical testing. Allele origin: germline. Affected: yes. Observed: 1 variant allele.
Comment: GOT2: BP4, BS2